The following is an entry in ClinVar:

ClinVar aggregate classification (germline): Uncertain significance (1 of 4 stars; one submission).

Submission:

GeneDx
Classification: Uncertain significance. Last evaluated: 2025-07-03. Review status: criteria provided, single submitter. Criteria: GeneDx Variant Classification Process June 2021. Collection method: clinical testing. Allele origin: germline. Affected: yes.
Comment: Not observed at significant frequency in large population cohorts (gnomAD); In silico analysis suggests that this missense variant does not alter protein structure/function; Has not been previously published as pathogenic or benign to our knowledge

NM_001148.6(ANK2):c.10244C>A (p.Thr3415Lys)

Gene: ANK2 (ankyrin 2; plus strand). Cytogenetic location: 4q26.
Variant type: single nucleotide variant.
Coding change: c.10244C>A on transcript NM_001148.6 (MANE Select); coding-DNA position 10244, C replaced by A.
Protein change: p.Thr3415Lys; replaces threonine 3415 with lysine.
Molecular consequence: missense variant. On other transcripts: intron variant (68).
Genome position (GRCh38, 1-based): chr4:113,358,862, C>A. VCF-style: chr4-113358862-C-A. GRCh37 (hg19) VCF-style: chr4-114280018-C-A.
Other names: c.10010C>A, p.Thr3337Lys (NM_001386142.1); c.6644C>A, p.Thr2215Lys (NM_001386166.1); c.10385C>A, p.Thr3462Lys (NM_001386174.1); c.10361C>A, p.Thr3454Lys (NM_001386175.1); c.4412-1961C>A (NM_001386186.2, NM_001386148.2); c.4214-1961C>A (NM_001354269.3); c.4292-1961C>A (NM_001386187.2); c.4253-1961C>A (NM_001386147.1); and 35 more; short protein forms T2215K, T3337K, T3415K, T3454K, T3462K.
Identifiers: ClinVar variation 4681069 (VCV004681069.1).
Genomic context (GRCh38, chr4:113,358,862, plus strand): 5'-GTTCTTTGGATTCAAAGACCAAATGCCCAGTAAAAACCCGAAGTTACACTGAGACAGAAA[C>A]AGAGAGCAGAGAGAGGGCCGAGGAACTTGAGTTAGAATCAGAAGAAGGGGCCACAAGACC-3'
Protein context (NP_001139.3, residues 3405-3425): VKTRSYTETE[Thr3415Lys]ESRERAEELE